The following is an entry in ClinVar:

ClinVar aggregate classification (germline): Uncertain significance (1 of 4 stars; one submission).

Conditions:
Cardiovascular phenotype. Identifiers: MedGen CN230736.

Allele frequency attached by ClinVar (database versions not stated): gnomAD exomes below 0.00001.
gnomAD v4.1: 1 of 1,614,078 alleles (0.000062%); highest among the groups gnomAD compares: Non-Finnish European, 0.000085%; no homozygotes.

Submission:

Ambry Genetics
Classification: Uncertain significance for Cardiovascular phenotype. Last evaluated: 2017-12-27. Review status: criteria provided, single submitter. Criteria: Ambry Variant Classification Scheme 2023. Collection method: clinical testing. Allele origin: germline.
Comment: The p.S2978T variant (also known as c.8932T>A), located in coding exon 26 of the APOB gene, results from a T to A substitution at nucleotide position 8932. The serine at codon 2978 is replaced by threonine, an amino acid with similar properties. This amino acid position is not well conserved in available vertebrate species. In addition, this alteration is predicted to be tolerated by in silico analysis. Since supporting evidence is limited at this time, the clinical significance of this alteration remains unclear.

NM_000384.3(APOB):c.8932T>A (p.Ser2978Thr)

Gene: APOB (apolipoprotein B; minus strand). Cytogenetic location: 2p24.1.
Variant type: single nucleotide variant.
Coding change: c.8932T>A on transcript NM_000384.3 (MANE Select); coding-DNA position 8932, T replaced by A.
Protein change: p.Ser2978Thr; replaces serine 2978 with threonine.
Molecular consequence: missense variant.
Genome position (GRCh38, 1-based): chr2:21,007,936, A>T on the plus strand (T>A on the coding strand, the complement: APOB is on the minus strand). VCF-style: chr2-21007936-A-T. GRCh37 (hg19) VCF-style: chr2-21230808-A-T.
Other names: short protein forms S2978T.
Identifiers: ClinVar variation 1765163 (VCV001765163.2), dbSNP rs2465364573, ClinGen allele CA345992907.